The following is an entry in ClinVar:

NM_030624.3(KLHL15):c.47G>T (p.Ser16Ile)

Gene: KLHL15 (kelch like family member 15; minus strand). Cytogenetic location: Xp22.11.
Variant type: single nucleotide variant.
Coding change: c.47G>T on transcript NM_030624.3 (MANE Select); coding-DNA position 47, G replaced by T.
Protein change: p.Ser16Ile; replaces serine 16 with isoleucine.
Molecular consequence: missense variant.
Genome position (GRCh38, 1-based): chrX:24,006,647, C>A on the plus strand (G>T on the coding strand, the complement: KLHL15 is on the minus strand). VCF-style: chrX-24006647-C-A. GRCh37 (hg19) VCF-style: chrX-24024764-C-A.
Other names: short protein forms S16I.
Identifiers: ClinVar variation 4686112 (VCV004686112.1).

ClinVar aggregate classification (germline): Uncertain significance (1 of 4 stars; one submission).

Submission:

GeneDx
Classification: Uncertain significance. Last evaluated: 2025-07-18. Review status: criteria provided, single submitter. Criteria: GeneDx Variant Classification Process June 2021. Collection method: clinical testing. Allele origin: germline. Affected: yes.
Comment: Not observed at significant frequency in large population cohorts (gnomAD); In silico analysis suggests that this missense variant does not alter protein structure/function; Has not been previously published as pathogenic or benign to our knowledge